The following is an entry in ClinVar:

ClinVar aggregate classification (germline): Uncertain significance. Review status: criteria provided, multiple submitters, no conflicts (2 of 4 stars). 4 submissions from 4 submitters: Uncertain significance (4). Last evaluated 2025-03-21.

Conditions:
Fanconi anemia (FA). Also called: Fanconi's anemia. Identifiers: Orphanet 84, MedGen C0015625, MeSH D005199, MONDO:0019391.
Fanconi anemia complementation group D2. Also called: FANCD2-Related Fanconi Anemia; FANCONI PANCYTOPENIA, TYPE 4; FANCONI ANEMIA, COMPLEMENTATION GROUP D. Identifiers: Orphanet 84, MedGen C3160738, MONDO:0009214, OMIM 227646.
Inborn genetic diseases. Identifiers: MedGen C0950123, MeSH D030342.

Allele frequency attached by ClinVar (database versions not stated): TOPMed 0.00008; gnomAD 0.00009.
gnomAD v4.1: 22 of 1,613,052 alleles (0.0014%); highest among the groups gnomAD compares: Admixed American, 0.035%; no homozygotes.

Submissions (4):

Revvity Omics, Revvity
Classification: Uncertain significance for Fanconi anemia complementation group D2. Last evaluated: 2025-03-21. Review status: criteria provided, single submitter. Criteria: ACMG Guidelines, 2015. Collection method: clinical testing. Allele origin: germline.

Ambry Genetics
Classification: Uncertain significance for Inborn genetic diseases. Last evaluated: 2024-06-07. Review status: criteria provided, single submitter. Criteria: Ambry Variant Classification Scheme 2023. Collection method: clinical testing. Allele origin: germline.

Fulgent Genetics
Classification: Uncertain significance for Fanconi anemia complementation group D2. Last evaluated: 2024-05-13. Review status: criteria provided, single submitter. Criteria: ACMG Guidelines, 2015. Collection method: clinical testing. Allele origin: germline.

Labcorp Genetics (formerly Invitae), Labcorp
Classification: Uncertain significance for Fanconi anemia. Last evaluated: 2022-05-30. Review status: criteria provided, single submitter. Criteria: Invitae Variant Classification Sherloc (09022015). Collection method: clinical testing. Allele origin: germline.
Comment: This sequence change replaces cysteine, which is neutral and slightly polar, with tyrosine, which is neutral and polar, at codon 783 of the FANCD2 protein (p.Cys783Tyr). This variant is present in population databases (no rsID available, gnomAD 0.02%). This variant has not been reported in the literature in individuals affected with FANCD2-related conditions. ClinVar contains an entry for this variant (Variation ID: 1413172). Algorithms developed to predict the effect of missense changes on protein structure and function are either unavailable or do not agree on the potential impact of this missense change (SIFT: "Deleterious"; PolyPhen-2: "Probably Damaging"; Align-GVGD: "Class C0"). In summary, the available evidence is currently insufficient to determine the role of this variant in disease. Therefore, it has been classified as a Variant of Uncertain Significance.

NM_001018115.3(FANCD2):c.2348G>A (p.Cys783Tyr)

Genes: FANCD2 (FA complementation group D2; plus strand), LOC107303338 (3p25 FANCD2 Alu-mediated recombination region; plus strand). Cytogenetic location: 3p25.3.
Variant type: single nucleotide variant.
Coding change: c.2348G>A on transcript NM_001018115.3 (MANE Select); coding-DNA position 2348, G replaced by A.
Protein change: p.Cys783Tyr; replaces cysteine 783 with tyrosine.
Molecular consequence: missense variant.
Genome position (GRCh38, 1-based): chr3:10,065,942, G>A. VCF-style: chr3-10065942-G-A. GRCh37 (hg19) VCF-style: chr3-10107626-G-A.
Other names: c.2348G>A (NM_033084.3, NM_033084.5, NM_033084.4); c.2348G>A, p.Cys783Tyr (NM_001319984.2, NM_001374254.1, NM_033084.6); c.2237G>A, p.Cys746Tyr (NM_001374253.1); short protein forms C746Y, C783Y.
Identifiers: ClinVar variation 1413172 (VCV001413172.6), dbSNP rs763986919, ClinGen allele CA351736054.